The following is an entry in ClinVar:

ClinVar aggregate classification (germline): Uncertain significance. Review status: criteria provided, multiple submitters, no conflicts (2 of 4 stars). 2 submissions from 2 submitters: Uncertain significance (2). Last evaluated 2025-04-15.

Conditions:
Muscular dystrophy-dystroglycanopathy (congenital with brain and eye anomalies), type A13. Also called: WALKER-WARBURG SYNDROME OR MUSCLE-EYE-BRAIN DISEASE, B3GNT1-RELATED; Muscular dystrophy-dystroglycanopathy (congenital with brain and eye anomalies), type a, 13. Identifiers: Orphanet 899, MedGen C3809042, MONDO:0014120, OMIM 615287.
Inborn genetic diseases. Identifiers: MedGen C0950123, MeSH D030342.

Allele frequency attached by ClinVar (database versions not stated): TOPMed 0.00003; ExAC 0.00004; 1000 Genomes Project 30x 0.00031; gnomAD 0.00003 and 0.00001; 1000 Genomes Project 0.00040.

Submissions (2):

Ambry Genetics
Classification: Uncertain significance for Inborn genetic diseases. Last evaluated: 2025-04-15. Review status: criteria provided, single submitter. Criteria: Ambry Variant Classification Scheme 2023. Collection method: clinical testing. Allele origin: germline.

Labcorp Genetics (formerly Invitae), Labcorp
Classification: Uncertain significance for Muscular dystrophy-dystroglycanopathy (congenital with brain and eye anomalies), type A13. Last evaluated: 2022-12-02. Review status: criteria provided, single submitter. Criteria: Invitae Variant Classification Sherloc (09022015). Collection method: clinical testing. Allele origin: germline.
Comment: In summary, the available evidence is currently insufficient to determine the role of this variant in disease. Therefore, it has been classified as a Variant of Uncertain Significance. Advanced modeling of protein sequence and biophysical properties (such as structural, functional, and spatial information, amino acid conservation, physicochemical variation, residue mobility, and thermodynamic stability) performed at Invitae indicates that this missense variant is not expected to disrupt B4GAT1 protein function. ClinVar contains an entry for this variant (Variation ID: 849580). This variant has not been reported in the literature in individuals affected with B4GAT1-related conditions. This variant is present in population databases (rs201440245, gnomAD 0.08%). This sequence change replaces proline, which is neutral and non-polar, with alanine, which is neutral and non-polar, at codon 258 of the B4GAT1 protein (p.Pro258Ala).

NM_006876.3(B4GAT1):c.772C>G (p.Pro258Ala)

Gene: B4GAT1 (beta-1,4-glucuronyltransferase 1; minus strand). Cytogenetic location: 11q13.2.
Variant type: single nucleotide variant.
Coding change: c.772C>G on transcript NM_006876.3 (MANE Select); coding-DNA position 772, C replaced by G.
Protein change: p.Pro258Ala; replaces proline 258 with alanine.
Molecular consequence: missense variant.
Genome position (GRCh38, 1-based): chr11:66,346,774, G>C on the plus strand (C>G on the coding strand, the complement: B4GAT1 is on the minus strand). VCF-style: chr11-66346774-G-C. GRCh37 (hg19) VCF-style: chr11-66114245-G-C.
Other names: short protein forms P258A.
Identifiers: ClinVar variation 849580 (VCV000849580.9), dbSNP rs201440245, ClinGen allele CA6120509.
Genomic context (GRCh38, chr11:66,346,774, plus strand): 5'-GCTGCACCAGCTCGTTTTTGTTCATGGGCATGCGGCGGGCTCTTCGGATTTCGAAGGCAG[G>C]CACCACCAGCGCGGTGCCTCCCCACTGGTTGCTCTGATCCAGCATTTCCCGCAGGCCTCT-3'
Protein context (NP_006867.1, residues 248-268): NQWGGTALVV[Pro258Ala]AFEIRRARRM